The following is an entry in ClinVar:

NM_003361.4(UMOD):c.628G>T (p.Gly210Cys)

Gene: UMOD (uromodulin; minus strand). Cytogenetic location: 16p12.3.
Variant type: single nucleotide variant.
Coding change: c.628G>T on transcript NM_003361.4 (MANE Select); coding-DNA position 628, G replaced by T.
Protein change: p.Gly210Cys; replaces glycine 210 with cysteine.
Molecular consequence: missense variant. On other transcripts: non-coding transcript variant (1).
Genome position (GRCh38, 1-based): chr16:20,348,673, C>A on the plus strand (G>T on the coding strand, the complement: UMOD is on the minus strand). VCF-style: chr16-20348673-C-A. GRCh37 (hg19) VCF-style: chr16-20359995-C-A.
Other names: c.628G>T, p.Gly210Cys (NM_001008389.3, NM_001378232.1, NM_001378233.1 and 3 more transcripts); c.727G>T, p.Gly243Cys (NM_001278614.2); short protein forms G210C, G243C.
Identifiers: ClinVar variation 3235155 (VCV003235155.1), dbSNP rs1567309965.

ClinVar aggregate classification (germline): Uncertain significance (1 of 4 stars; one submission).

Conditions:
Familial juvenile hyperuricemic nephropathy type 1 (ADTKD1). Also called: Autosomal Dominant Tubulointerstitial Kidney Disease – UMOD; Glomerulocystic kidney disease with hyperuricemia and isosthenuria; Medullary cystic kidney disease 2; UMOD-Associated Kidney Disease; Uromodulin-associated kidney disease. Identifiers: Orphanet 209886, Orphanet 34149, Orphanet 88950, MedGen C4551496, MONDO:0008073, OMIM 162000.

gnomAD v4.1: 1 of 1,554,492 alleles (0.000064%); no homozygotes.

Submission:

MVZ Medizinische Genetik Mainz
Classification: Uncertain significance for Familial juvenile hyperuricemic nephropathy type 1. Last evaluated: 2023-10-20. Review status: criteria provided, single submitter. Criteria: UK Practice Guidelines For Variant Classification V4 01 2020. Collection method: clinical testing. Allele origin: germline. Inheritance: Autosomal dominant inheritance. Affected: yes. Observed: 1 variant allele.
Comment: ACMG Criteria: PM1,PM5,PM2_SUP